The following is an entry in ClinVar:

NM_000256.3(MYBPC3):c.3600_3609del (p.Cys1201fs)

Gene: MYBPC3 (myosin binding protein C3; minus strand). Cytogenetic location: 11p11.2.
Variant type: Deletion.
Coding change: c.3600_3609del on transcript NM_000256.3 (MANE Select); coding-DNA positions 3600 to 3609, 10 bases deleted (CTGCTGTGCT; older notation c.3600_3609delCTGCTGTGCT).
Protein change: p.Cys1201fs; shifts the reading frame from cysteine 1201.
Molecular consequence: frameshift variant.
Genome position (GRCh38, 1-based): chr11:47,332,584-47,332,593, AGCACAGCAG deleted on the plus strand (CTGCTGTGCT on the coding strand, the reverse complement: MYBPC3 is on the minus strand); deleting any 10 consecutive bases within chr11:47,332,584-47,332,597 gives the same sequence; the c. name uses the placement nearest the transcript's 3' end. VCF-style (leftmost placement, unchanged base first): chr11-47332583-CAGCACAGCAG-C. GRCh37 (hg19) VCF-style: chr11-47354134-CAGCACAGCAG-C.
Other names: c.3600_3609delCTGCTGTGCT (NM_000256.3); c.3600_3609del, p.Cys1201fs (LRG_386t1); short protein forms C1201fs.
Identifiers: ClinVar variation 177670 (VCV000177670.7), dbSNP rs727504271, ClinGen allele CA014440.

ClinVar aggregate classification (germline): Pathogenic/Likely pathogenic. Review status: criteria provided, multiple submitters, no conflicts (2 of 4 stars). 3 submissions from 3 submitters: Pathogenic (1); Likely pathogenic (1). 1 of the submissions does not count toward it. Last evaluated 2022-06-02.

Conditions:
Cardiomyopathy (CMYO). Also called: Cardiomyopathies. Identifiers: Orphanet 167848, MedGen C0878544, MONDO:0004994, HP:0001638. Inheritance: Various modes of inheritance.
Hypertrophic cardiomyopathy. Also called: HYPERTROPHIC MYOCARDIOPATHY. Identifiers: Orphanet 217569, MedGen C0007194, MeSH D002312, MONDO:0005045, HP:0001639.

Submissions (3):

CHEO Genetics Diagnostic Laboratory, Children's Hospital of Eastern Ontario
Classification: Likely pathogenic for Cardiomyopathy. Last evaluated: 2022-06-02. Review status: criteria provided, single submitter. Criteria: ACMG Guidelines, 2015. Collection method: clinical testing. Allele origin: germline.

Labcorp Genetics (formerly Invitae), Labcorp
Classification: Pathogenic for Hypertrophic cardiomyopathy. Last evaluated: 2019-02-27. Review status: criteria provided, single submitter. Criteria: Invitae Variant Classification Sherloc (09022015). Collection method: clinical testing. Allele origin: germline.
Comment: This sequence change creates a premature translational stop signal (p.Cys1201Serfs*33) in the MYBPC3 gene. It is expected to result in an absent or disrupted protein product. This variant is not present in population databases (ExAC no frequency). This variant has been observed in several individuals affected with dilated or hypertrophic cardiomyopathy (PMID: 20474083, 25611685, 27532257). ClinVar contains an entry for this variant (Variation ID: 177670). Loss-of-function variants in MYBPC3 are known to be pathogenic (PMID: 19574547). For these reasons, this variant has been classified as Pathogenic.

Laboratory for Molecular Medicine, Mass General Brigham Personalized Medicine
Classification: Pathogenic for Hypertrophic cardiomyopathy. Last evaluated: 2013-03-04. Review status: no assertion criteria provided. Collection method: clinical testing. Allele origin: germline. Inheritance: Autosomal dominant inheritance. Observed: 2 variant alleles. Not counted in ClinVar's aggregate classification.
Comment: proposed classification - variant undergoing re-assessment, contact laboratory

Literature cited by the submitters: PubMed 25611685 (cited by Labcorp Genetics (formerly Invitae), Labcorp); PubMed 27532257 (cited by Labcorp Genetics (formerly Invitae), Labcorp); PubMed 20474083 (cited by Labcorp Genetics (formerly Invitae), Labcorp).